The following is an entry in ClinVar:

ClinVar aggregate classification (germline): Conflicting classifications of pathogenicity. Review status: criteria provided, conflicting classifications (1 of 4 stars). 2 submissions from 2 submitters: Uncertain significance (1); Likely benign (1). Last evaluated 2023-09-22.

Conditions:
Hereditary cancer-predisposing syndrome. Also called: Tumor predisposition; Hereditary Cancer Syndrome; Neoplastic Syndromes, Hereditary; Hereditary neoplastic syndrome. Identifiers: Orphanet 140162, MedGen C0027672, MeSH D009386, MONDO:0015356.

Submissions (2):

Ambry Genetics
Classification: Uncertain significance for Hereditary cancer-predisposing syndrome. Last evaluated: 2023-09-22. Review status: criteria provided, single submitter. Criteria: Ambry Variant Classification Scheme 2023. Collection method: clinical testing. Allele origin: germline.
Comment: The p.A883T variant (also known as c.2647G>A), located in coding exon 9 of the BRCA1 gene, results from a G to A substitution at nucleotide position 2647. The alanine at codon 883 is replaced by threonine, an amino acid with similar properties. This amino acid position is not well conserved in available vertebrate species. In addition, this alteration is predicted to be tolerated by in silico analysis. Since supporting evidence is limited at this time, the clinical significance of this alteration remains unclear.

University of Washington Department of Laboratory Medicine, University of Washington
Classification: Likely benign for Hereditary cancer-predisposing syndrome. Last evaluated: 2023-03-23. Review status: criteria provided, single submitter. Criteria: Dines et al. (Genet Med. 2020). Collection method: curation. Allele origin: germline.
Comment: Missense variant in a coldspot region where missense variants are very unlikely to be pathogenic (PMID:31911673).

BRCA1 coldspot (exon 11 using historical exon numbering). Reclassification based on statistical prior probability

NM_007294.4(BRCA1):c.2647G>A (p.Ala883Thr)

Gene: BRCA1 (BRCA1 DNA repair associated; minus strand). Cytogenetic location: 17q21.31.
Variant type: single nucleotide variant.
Coding change: c.2647G>A on transcript NM_007294.4 (MANE Select); coding-DNA position 2647, G replaced by A.
Protein change: p.Ala883Thr; replaces alanine 883 with threonine.
Molecular consequence: missense variant. On other transcripts: intron variant (137).
Genome position (GRCh38, 1-based): chr17:43,092,884, C>T on the plus strand (G>A on the coding strand, the complement: BRCA1 is on the minus strand). VCF-style: chr17-43092884-C-T. GRCh37 (hg19) VCF-style: chr17-41244901-C-T.
Other names: c.2503G>A, p.Ala835Thr (NM_001407964.1, NM_001407740.1, NM_001407741.1 and 20 more transcripts); c.2644G>A, p.Ala882Thr (NM_001407612.1, NM_001407613.1, NM_001407615.1 and 22 more transcripts); c.2143G>A, p.Ala715Thr (NM_001407965.1); c.1759G>A, p.Ala587Thr (NM_001407966.1, NM_001407967.1); c.284-1852G>A (NM_001408512.1); c.407-1852G>A (NM_001408510.1); c.644-1852G>A (NM_001408470.1, NM_001408464.1, NM_001408468.1 and 3 more transcripts); c.2647G>A, p.Ala883Thr (NM_007300.4, NM_001407616.1, NM_001407618.1 and 30 more transcripts); and 41 more; short protein forms A883T, A836T, A756T, A772T, A794T, A795T, A812T, A856T.
Identifiers: ClinVar variation 821626 (VCV000821626.7), dbSNP rs1597868632, ClinGen allele CA10596700.